The following is an entry in ClinVar:

NM_005431.2(XRCC2):c.776_786delinsTAAAC (p.Cys259_Ser262delinsLeuAsn)

Gene: XRCC2 (X-ray repair cross complementing 2; minus strand). Cytogenetic location: 7q36.1.
Variant type: Indel.
Coding change: c.776_786delinsTAAAC on transcript NM_005431.2 (MANE Select); coding-DNA positions 776 to 786, GTTTAAAAAGT replaced by TAAAC.
Protein change: p.Cys259_Ser262delinsLeuAsn.
Molecular consequence: inframe indel.
Genome position (GRCh38, 1-based): chr7:152,648,699-152,648,709, ACTTTTTAAAC replaced by GTTTA on the plus strand (GTTTAAAAAGT replaced by TAAAC on the coding strand, the reverse complement: XRCC2 is on the minus strand). VCF-style: chr7-152648699-ACTTTTTAAAC-GTTTA. GRCh37 (hg19) VCF-style: chr7-152345784-ACTTTTTAAAC-GTTTA.
Identifiers: ClinVar variation 127964 (VCV000127964.2), dbSNP rs587780131, ClinGen allele CA288149.
Genomic context (GRCh38, chr7:152,648,699, plus strand): 5'-ATATCAACAAAATTCAACCCCACTTTCTCCAATAATAAAAAAATGTTTTTTTAAACTGTT[ACTTTTTAAAC>GTTTA]AACGTGAAACTAATGAAAATTGGTTGCTGCTTTGAGAATCATCTTGTTTGGAGAAAAACA-3'

ClinVar aggregate classification (germline): Uncertain significance (1 of 4 stars; one submission).

Submission:

GeneDx
Classification: Uncertain significance. Last evaluated: 2014-03-19. Review status: criteria provided, single submitter. Criteria: GeneDx Variant Classification (06012015). Collection method: clinical testing. Allele origin: germline. Affected: yes.
Comment: This variant is denoted XRCC2 c.776_786del11insTAAAC at the cDNA level, p.Cys259_Ser262delinsLeuAsn (C259_S262delinsLN) at the protein level. The surrounding sequence is CGTT[[delGTTTAAAAAGT][insTAAAC]]AACA. This in-frame combination deletion/insertion results in the loss of 4 amnio acids (Cysteine, Leucine, Lysine, and Serine) that are replaced by a Leucine and an Asparagine. This variant has not, to our knowledge, been published in the literature as pathogenic or benign. This variant was not observed in approximately 6,500 individuals of European and African American ancestry in the NHLBI Exome Sequencing Project, indicating it is not a common benign variant in these populations. Three of the residues are well conserved across species (Leucine, Lysine, and Serine). This variant is not located in a known functional domain. Based on currently available information, it is unclear whether XRCC2 Cys259_Ser262delinsLeuAsn is pathogenic or benign. We consider it to be a variant of uncertain significance. Furthermore, XRCC2 has only recently been described in association with cancer predisposition and the risks are not well understood.